The following is an entry in ClinVar:

ClinVar aggregate classification (germline): Uncertain significance (1 of 4 stars; one submission).

Conditions:
Episodic ataxia type 2 (EA2). Also called: CEREBELLAR ATAXIA, PAROXYSMAL, ACETAZOLAMIDE-RESPONSIVE; CEREBELLOPATHY, HEREDITARY PAROXYSMAL; EPISODIC ATAXIA, NYSTAGMUS-ASSOCIATED; ACETAZOLAMIDE-RESPONSIVE HEREDITARY PAROXYSMAL CEREBELLAR ATAXIA; ATAXIA, EPISODIC, WITH NYSTAGMUS; ATAXIA, FAMILIAL PAROXYSMAL. Identifiers: Orphanet 97, MedGen C1720416, MONDO:0007163, OMIM 108500.
Developmental and epileptic encephalopathy, 42 (DEE42A). Also called: Epileptic encephalopathy, early infantile, 42; DEVELOPMENTAL AND EPILEPTIC ENCEPHALOPATHY 42A; EPILEPTIC ENCEPHALOPATHY, EARLY INFANTILE, 42A. Identifiers: MedGen C4310716, MONDO:0014917, OMIM 617106.

Submission:

Labcorp Genetics (formerly Invitae), Labcorp
Classification: Uncertain significance for Developmental and epileptic encephalopathy, 42; Episodic ataxia type 2. Last evaluated: 2023-09-15. Review status: criteria provided, single submitter. Criteria: Invitae Variant Classification Sherloc (09022015). Collection method: clinical testing. Allele origin: germline.
Comment: In summary, the available evidence is currently insufficient to determine the role of this variant in disease. Therefore, it has been classified as a Variant of Uncertain Significance. Variants that disrupt the consensus splice site are a relatively common cause of aberrant splicing (PMID: 17576681, 9536098). Algorithms developed to predict the effect of sequence changes on RNA splicing suggest that this variant is not likely to affect RNA splicing. This variant has not been reported in the literature in individuals affected with CACNA1A-related conditions. This variant is not present in population databases (gnomAD no frequency). This sequence change falls in intron 27 of the CACNA1A gene. It does not directly change the encoded amino acid sequence of the CACNA1A protein. It affects a nucleotide within the consensus splice site.

Literature cited by the submitters: PubMed 17576681; PubMed 9536098.

NM_001127222.2(CACNA1A):c.4388+6T>C

Gene: CACNA1A (calcium voltage-gated channel subunit alpha1 A; minus strand). Cytogenetic location: 19p13.13.
Variant type: single nucleotide variant.
Coding change: c.4388+6T>C on transcript NM_001127222.2 (MANE Select); 6 bases into the intron after coding-DNA position 4388, T replaced by C.
Molecular consequence: intron variant.
Genome position (GRCh38, 1-based): chr19:13,259,558, A>G on the plus strand (T>C on the coding strand, the complement: CACNA1A is on the minus strand). VCF-style: chr19-13259558-A-G. GRCh37 (hg19) VCF-style: chr19-13370372-A-G.
Other names: c.4391+6T>C (NM_001174080.2, NM_001127221.2); c.4400+6T>C (NM_000068.4, NM_023035.3).
Identifiers: ClinVar variation 2951959 (VCV002951959.3), dbSNP rs2512751223, ClinGen allele CA2740091935.